The following is an entry in ClinVar:

ClinVar aggregate classification (germline): Uncertain significance (1 of 4 stars; one submission).

Allele frequency attached by ClinVar (database versions not stated): gnomAD exomes 0.00001; TOPMed 0.00001; gnomAD 0.00002.
gnomAD v4.1: 17 of 1,612,792 alleles (0.0011%); highest among the groups gnomAD compares: African/African-American, 0.0013%; no homozygotes.

Submission:

Labcorp Genetics (formerly Invitae), Labcorp
Classification: Uncertain significance. Last evaluated: 2024-08-15. Review status: criteria provided, single submitter. Criteria: Invitae Variant Classification Sherloc (09022015). Collection method: clinical testing. Allele origin: germline.
Comment: This sequence change replaces isoleucine, which is neutral and non-polar, with valine, which is neutral and non-polar, at codon 99 of the RPSA protein (p.Ile99Val). This variant is present in population databases (no rsID available, gnomAD 0.003%). This variant has not been reported in the literature in individuals affected with RPSA-related conditions. ClinVar contains an entry for this variant (Variation ID: 1364001). Invitae Evidence Modeling of protein sequence and biophysical properties (such as structural, functional, and spatial information, amino acid conservation, physicochemical variation, residue mobility, and thermodynamic stability) indicates that this missense variant is not expected to disrupt RPSA protein function with a negative predictive value of 80%. In summary, the available evidence is currently insufficient to determine the role of this variant in disease. Therefore, it has been classified as a Variant of Uncertain Significance.

NM_002295.6(RPSA):c.295A>G (p.Ile99Val)

Gene: RPSA (ribosomal protein SA; plus strand). Cytogenetic location: 3p22.1.
Variant type: single nucleotide variant.
Coding change: c.295A>G on transcript NM_002295.6 (MANE Select); coding-DNA position 295, A replaced by G.
Protein change: p.Ile99Val; replaces isoleucine 99 with valine.
Molecular consequence: missense variant.
Genome position (GRCh38, 1-based): chr3:39,410,796, A>G. VCF-style: chr3-39410796-A-G. GRCh37 (hg19) VCF-style: chr3-39452287-A-G.
Other names: c.310A>G, p.Ile104Val (NM_001304288.2); short protein forms I104V, I99V.
Identifiers: ClinVar variation 1364001 (VCV001364001.8), dbSNP rs1402091973, ClinGen allele CA352212886.